The following is an entry in ClinVar:

NM_024426.6(WT1):c.661+719G>T

Genes: WT1 (WT1 transcription factor; minus strand), LOC107982234 (WT1/WT1-AS bi-directional promoter region; plus strand). Cytogenetic location: 11p13.
Variant type: single nucleotide variant.
Coding change: c.661+719G>T on transcript NM_024426.6 (MANE Select); 719 bases into the intron after coding-DNA position 661, G replaced by T.
Molecular consequence: intron variant. On other transcripts: 5 prime UTR variant (1).
Genome position (GRCh38, 1-based): chr11:32,433,981, C>A on the plus strand (G>T on the coding strand, the complement: WT1 is on the minus strand). VCF-style: chr11-32433981-C-A. GRCh37 (hg19) VCF-style: chr11-32455527-C-A.
Other names: c.-318G>T (NM_001407051.1); c.661+719G>T (NM_001407050.1, NM_001407047.1, NM_001407048.1 and 6 more transcripts).
Identifiers: ClinVar variation 3255252 (VCV003255252.2), dbSNP rs3930513.

ClinVar aggregate classification (germline): Benign (1 of 4 stars; one submission).

Allele frequency attached by ClinVar (database versions not stated): gnomAD 0.51961; TOPMed 0.54117; 1000 Genomes Project 0.65116; 1000 Genomes Project 30x 0.65162.
gnomAD v4.1: 78,895 of 152,190 alleles (52%); highest among the groups gnomAD compares: African/African-American, 80%; 23,521 homozygotes.

Submission:

Unidad de Genómica Garrahan, Hospital de Pediatría Garrahan
Classification: Benign. Last evaluated: 2024-07-15. Review status: criteria provided, single submitter. Criteria: ACMG Guidelines, 2015. Collection method: clinical testing. Allele origin: germline. Affected: no. Observed: 60 variant alleles.
Comment: This variant is classified as Benign based on local population frequency. This variant was detected in 65% of patients studied in a panel designed for Epileptic and Developmental Encephalopathy and Progressive Myoclonus Epilepsy. Number of patients: 60. Only high quality variants are reported.